The following is an entry in ClinVar:

NM_080632.3(UPF3B):c.684_685del (p.Glu230fs)

Gene: UPF3B (UPF3B regulator of nonsense mediated mRNA decay; minus strand). Cytogenetic location: Xq24.
Variant type: Deletion.
Coding change: c.684_685del on transcript NM_080632.3 (MANE Select); coding-DNA positions 684 to 685, 2 bases deleted (AA; older notation c.684_685delAA).
Protein change: p.Glu230fs; shifts the reading frame from glutamic acid 230.
Molecular consequence: frameshift variant.
Genome position (GRCh38, 1-based): chrX:119,841,198-119,841,199, TT deleted on the plus strand (AA on the coding strand, the reverse complement: UPF3B is on the minus strand); deleting any 2 consecutive bases within chrX:119,841,198-119,841,200 gives the same sequence; the c. name uses the placement nearest the transcript's 3' end. VCF-style (leftmost placement, unchanged base first): chrX-119841197-CTT-C. GRCh37 (hg19) VCF-style: chrX-118975160-CTT-C.
Other names: c.684_685del, p.Glu230fs (NM_023010.4); c.684_685delAA (NM_080632.2); short protein forms E230fs.
Identifiers: ClinVar variation 1275792 (VCV001275792.5), dbSNP rs2147787295, ClinGen allele CA2499226337.

ClinVar aggregate classification (germline): Pathogenic. Review status: criteria provided, multiple submitters, no conflicts (2 of 4 stars). 3 submissions from 3 submitters: Pathogenic (3). Last evaluated 2024-05-14.

Conditions:
Intellectual developmental disorder, X-linked, syndromic 14. Also called: Syndromic X-linked intellectual disability 14. Identifiers: Orphanet 776, MedGen C1970822, MONDO:0010398, OMIM 300676.
Inborn genetic diseases. Identifiers: MedGen C0950123, MeSH D030342.

Submissions (3):

Labcorp Genetics (formerly Invitae), Labcorp
Classification: Pathogenic for Intellectual developmental disorder, X-linked, syndromic 14. Last evaluated: 2024-05-14. Review status: criteria provided, single submitter. Criteria: Invitae Variant Classification Sherloc (09022015). Collection method: clinical testing. Allele origin: germline.
Comment: This sequence change creates a premature translational stop signal (p.Glu230Argfs*35) in the UPF3B gene. It is expected to result in an absent or disrupted protein product. Loss-of-function variants in UPF3B are known to be pathogenic (PMID: 17704778, 19238151). This variant is not present in population databases (gnomAD no frequency). This premature translational stop signal has been observed in individual(s) with UPF3B-related conditions (PMID: 26077850). ClinVar contains an entry for this variant (Variation ID: 1275792). For these reasons, this variant has been classified as Pathogenic.

Ambry Genetics
Classification: Pathogenic for Inborn genetic diseases. Last evaluated: 2024-05-08. Review status: criteria provided, single submitter. Criteria: Ambry Variant Classification Scheme 2023. Collection method: clinical testing. Allele origin: germline.
Comment: The c.684_685delAA (p.E230Rfs*35) alteration, located in exon 7 (coding exon 7) of the UPF3B gene, consists of a deletion of 2 nucleotides from position 684 to 685, causing a translational frameshift with a predicted alternate stop codon after 35 amino acids. This alteration is expected to result in loss of function by premature protein truncation or nonsense-mediated mRNA decay. This variant was not reported in population-based cohorts in the Genome Aggregation Database (gnomAD). This variant was reported in multiple individuals with clinical features consistent with UPF3B-related neurodevelopmental disorder (DECIPHER; Yavarna, 2015; Romano, 2024). Based on the available evidence, this alteration is classified as pathogenic.

Institute of Medical Genetics and Applied Genomics, University Hospital Tübingen
Classification: Pathogenic. Last evaluated: 2021-09-15. Review status: criteria provided, single submitter. Criteria: ACMG Guidelines, 2015. Collection method: clinical testing. Allele origin: germline. Inheritance: X-linked recessive inheritance. Affected: yes.

Literature cited by the submitters: PubMed 17704778 (cited by Labcorp Genetics (formerly Invitae), Labcorp); PubMed 19238151 (cited by Labcorp Genetics (formerly Invitae), Labcorp); PubMed 26077850 (cited by Labcorp Genetics (formerly Invitae), Labcorp and Ambry Genetics); PubMed 38318947 (cited by Ambry Genetics).